The following is an entry in ClinVar:

ClinVar aggregate classification (germline): Uncertain significance (1 of 4 stars; one submission).

Conditions:
Cardiovascular phenotype. Identifiers: MedGen CN230736.

Submission:

Ambry Genetics
Classification: Uncertain significance for Cardiovascular phenotype. Last evaluated: 2022-06-14. Review status: criteria provided, single submitter. Criteria: Ambry Variant Classification Scheme 2023. Collection method: clinical testing. Allele origin: germline.
Comment: The c.1338dupC variant, located in coding exon 11 of the MYH6 gene, results from a duplication of C at nucleotide position 1338, causing a translational frameshift with a predicted alternate stop codon (p.T447Hfs*29). This alteration is expected to result in premature protein truncation or nonsense-mediated mRNA decay. However, loss of function of MYH6 has not been clearly established as a mechanism of disease. Since supporting evidence is limited at this time, the clinical significance of this alteration remains unclear.

NM_002471.4(MYH6):c.1338dup (p.Thr447fs)

Gene: MYH6 (myosin heavy chain 6; minus strand). Cytogenetic location: 14q11.2.
Variant type: Duplication.
Coding change: c.1338dup on transcript NM_002471.4 (MANE Select); coding-DNA position 1338, one base duplicated (C; older notation c.1338dupC).
Protein change: p.Thr447fs; shifts the reading frame from threonine 447.
Molecular consequence: frameshift variant.
Genome position (GRCh38, 1-based): chr14:23,400,781, G duplicated on the plus strand (C on the coding strand, the reverse complement: MYH6 is on the minus strand); the first of 2 consecutive G bases (chr14:23,400,781-23,400,782); duplicating either gives the same sequence. VCF-style (leftmost placement, unchanged base first): chr14-23400780-T-TG. GRCh37 (hg19) VCF-style: chr14-23869989-T-TG.
Other names: c.1338dupC (NM_002471.3); short protein forms T447fs.
Identifiers: ClinVar variation 1770286 (VCV001770286.2), dbSNP rs2502193122, ClinGen allele CA2580087900.